The following is an entry in ClinVar:

ClinVar aggregate classification (germline): Pathogenic (1 of 4 stars; one submission).

Conditions:
Autosomal recessive polycystic kidney disease (ARPKD). Also called: AR polycystic kidney disease. Identifiers: Orphanet 731, Orphanet 8378, MedGen C0085548, MeSH D017044, MONDO:0009889.

Submission:

Labcorp Genetics (formerly Invitae), Labcorp
Classification: Pathogenic for Autosomal recessive polycystic kidney disease. Last evaluated: 2022-04-08. Review status: criteria provided, single submitter. Criteria: Invitae Variant Classification Sherloc (09022015). Collection method: clinical testing. Allele origin: germline.
Comment: This variant is not present in population databases (gnomAD no frequency). This sequence change creates a premature translational stop signal (p.Tyr2112*) in the PKHD1 gene. It is expected to result in an absent or disrupted protein product. Loss-of-function variants in PKHD1 are known to be pathogenic (PMID: 19940839). This variant has not been reported in the literature in individuals affected with PKHD1-related conditions. Algorithms developed to predict the effect of sequence changes on RNA splicing suggest that this variant may disrupt the consensus splice site. For these reasons, this variant has been classified as Pathogenic.

Literature cited by the submitters: PubMed 19940839.

NM_138694.4(PKHD1):c.6336T>G (p.Tyr2112Ter)

Gene: PKHD1 (PKHD1 ciliary IPT domain containing fibrocystin/polyductin; minus strand). Cytogenetic location: 6p12.2.
Variant type: single nucleotide variant.
Coding change: c.6336T>G on transcript NM_138694.4 (MANE Select); coding-DNA position 6336, T replaced by G.
Protein change: p.Tyr2112Ter; replaces tyrosine 2112 with a stop codon.
Molecular consequence: nonsense.
Genome position (GRCh38, 1-based): chr6:51,911,953, A>C on the plus strand (T>G on the coding strand, the complement: PKHD1 is on the minus strand). VCF-style: chr6-51911953-A-C. GRCh37 (hg19) VCF-style: chr6-51776751-A-C.
Other names: c.6336T>G, p.Tyr2112Ter (NM_170724.3); short protein forms Y2112*.
Identifiers: ClinVar variation 1455718 (VCV001455718.6), dbSNP rs2127664665, ClinGen allele CA364439017.